The following is an entry in ClinVar:

NM_003737.4(DCHS1):c.8378T>C (p.Leu2793Pro)

Gene: DCHS1 (dachsous cadherin-related 1; minus strand). Cytogenetic location: 11p15.4.
Variant type: single nucleotide variant.
Coding change: c.8378T>C on transcript NM_003737.4 (MANE Select); coding-DNA position 8378, T replaced by C.
Protein change: p.Leu2793Pro; replaces leucine 2793 with proline.
Molecular consequence: missense variant.
Genome position (GRCh38, 1-based): chr11:6,623,298, A>G on the plus strand (T>C on the coding strand, the complement: DCHS1 is on the minus strand). VCF-style: chr11-6623298-A-G. GRCh37 (hg19) VCF-style: chr11-6644529-A-G.
Other names: short protein forms L2793P.
Identifiers: ClinVar variation 4745308 (VCV004745308.1).

ClinVar aggregate classification (germline): Uncertain significance (1 of 4 stars; one submission).

Submission:

Labcorp Genetics (formerly Invitae), Labcorp
Classification: Uncertain significance. Last evaluated: 2025-08-14. Review status: criteria provided, single submitter. Criteria: Invitae Variant Classification Sherloc (09022015). Collection method: clinical testing. Allele origin: germline.
Comment: This sequence change replaces leucine, which is neutral and non-polar, with proline, which is neutral and non-polar, at codon 2793 of the DCHS1 protein (p.Leu2793Pro). This variant is not present in population databases (gnomAD no frequency). This variant has not been reported in the literature in individuals affected with DCHS1-related conditions. Invitae Evidence Modeling of protein sequence and biophysical properties (such as structural, functional, and spatial information, amino acid conservation, physicochemical variation, residue mobility, and thermodynamic stability) indicates that this missense variant is expected to disrupt DCHS1 protein function with a positive predictive value of 80%. In summary, the available evidence is currently insufficient to determine the role of this variant in disease. Therefore, it has been classified as a Variant of Uncertain Significance.